The following is an entry in ClinVar:

NM_014915.3(ANKRD26):c.1922C>T (p.Thr641Ile)

Gene: ANKRD26 (ankyrin repeat domain containing 26; minus strand). Cytogenetic location: 10p12.1.
Variant type: single nucleotide variant.
Coding change: c.1922C>T on transcript NM_014915.3 (MANE Select); coding-DNA position 1922, C replaced by T.
Protein change: p.Thr641Ile; replaces threonine 641 with isoleucine.
Molecular consequence: missense variant.
Genome position (GRCh38, 1-based): chr10:27,046,416, G>A on the plus strand (C>T on the coding strand, the complement: ANKRD26 is on the minus strand). VCF-style: chr10-27046416-G-A. GRCh37 (hg19) VCF-style: chr10-27335345-G-A.
Other names: c.1919C>T, p.Thr640Ile (NM_001256053.2); short protein forms T640I, T641I.
Identifiers: ClinVar variation 2485461 (VCV002485461.3), dbSNP rs2538868614, ClinGen allele CA376353107.

ClinVar aggregate classification (germline): Uncertain significance (1 of 4 stars; one submission).

Conditions:
Inborn genetic diseases. Identifiers: MedGen C0950123, MeSH D030342.

Submission:

Ambry Genetics
Classification: Uncertain significance for Inborn genetic diseases. Last evaluated: 2025-02-28. Review status: criteria provided, single submitter. Criteria: Ambry Variant Classification Scheme 2023. Collection method: clinical testing. Allele origin: germline.
Comment: The p.T641I variant (also known as c.1922C>T), located in coding exon 18 of the ANKRD26 gene, results from a C to T substitution at nucleotide position 1922. The threonine at codon 641 is replaced by isoleucine, an amino acid with similar properties. This amino acid position is conserved. In addition, this alteration is predicted to be tolerated by in silico analysis. Based on the available evidence, the clinical significance of this variant remains unclear.